The following is an entry in ClinVar:

ClinVar aggregate classification (germline): Uncertain significance (1 of 4 stars; one submission).

Submission:

CeGaT Center for Human Genetics Tuebingen
Classification: Uncertain significance. Last evaluated: 2023-08-01. Review status: criteria provided, single submitter. Criteria: CeGaT Center For Human Genetics Tuebingen Variant Classification Criteria Version 2. Collection method: clinical testing. Allele origin: germline. Affected: yes. Observed: 1 variant allele.
Comment: FLNA: PM2, PP2, PP3

NM_001110556.2(FLNA):c.797A>C (p.Lys266Thr)

Gene: FLNA (filamin A; minus strand). Cytogenetic location: Xq28.
Variant type: single nucleotide variant.
Coding change: c.797A>C on transcript NM_001110556.2 (MANE Select); coding-DNA position 797, A replaced by C.
Protein change: p.Lys266Thr; replaces lysine 266 with threonine.
Molecular consequence: missense variant.
Genome position (GRCh38, 1-based): chrX:154,367,468, T>G on the plus strand (A>C on the coding strand, the complement: FLNA is on the minus strand). VCF-style: chrX-154367468-T-G. GRCh37 (hg19) VCF-style: chrX-153595836-T-G.
Other names: c.797A>C, p.Lys266Thr (NM_001456.4); short protein forms K266T.
Identifiers: ClinVar variation 2661796 (VCV002661796.24), dbSNP rs2522764015, ClinGen allele CA415248540.